The following is an entry in ClinVar:

NM_004667.6(HERC2):c.3812G>A (p.Arg1271Gln)

Gene: HERC2 (HECT and RLD domain containing E3 ubiquitin protein ligase 2; minus strand). Cytogenetic location: 15q13.1.
Variant type: single nucleotide variant.
Coding change: c.3812G>A on transcript NM_004667.6 (MANE Select); coding-DNA position 3812, G replaced by A.
Protein change: p.Arg1271Gln; replaces arginine 1271 with glutamine.
Molecular consequence: missense variant.
Genome position (GRCh38, 1-based): chr15:28,238,154, C>T on the plus strand (G>A on the coding strand, the complement: HERC2 is on the minus strand). VCF-style: chr15-28238154-C-T. GRCh37 (hg19) VCF-style: chr15-28483300-C-T.
Other names: short protein forms R1271Q.
Identifiers: ClinVar variation 4034773 (VCV004034773.3).

ClinVar aggregate classification (germline): Uncertain significance. Review status: criteria provided, multiple submitters, no conflicts (2 of 4 stars). 2 submissions from 2 submitters: Uncertain significance (2). Last evaluated 2025-11-26.

Conditions:
Inborn genetic diseases. Identifiers: MedGen C0950123, MeSH D030342.
Developmental delay with autism spectrum disorder and gait instability (MRT38). Also called: Intellectual developmental disorder, autosomal recessive 38. Identifiers: Orphanet 329195, MedGen C3809753, MONDO:0014224, OMIM 615516.

gnomAD v4.1: 65 of 1,611,828 alleles (0.004%); highest among the groups gnomAD compares: Non-Finnish European, 0.0053%; no homozygotes.

Submissions (2):

Dasa
Classification: Uncertain significance for Developmental delay with autism spectrum disorder and gait instability. Last evaluated: 2025-11-26. Review status: criteria provided, single submitter. Criteria: DASA Assertion Criteria. Collection method: clinical testing. Allele origin: germline.
Comment: NM_004667.6(HERC2):c.3812G>A (p.Arg1271Gln) is a missense variant that results in the substitution of arginine with glutamine. This variant is rare in population databases. The currently available literature and clinical evidence are not sufficient to establish a definitive association between this variant and the reported condition. Therefore, this variant is classified as a variant of uncertain significance.

Ambry Genetics
Classification: Uncertain significance for Inborn genetic diseases. Last evaluated: 2025-05-30. Review status: criteria provided, single submitter. Criteria: Ambry Variant Classification Scheme 2023. Collection method: clinical testing. Allele origin: germline.